The following is an entry in ClinVar:

ClinVar aggregate classification (germline): Uncertain significance. Review status: criteria provided, multiple submitters, no conflicts (2 of 4 stars). 3 submissions from 3 submitters: Uncertain significance (3). Last evaluated 2024-12-19.

Conditions:
ABCA4-related disorder. Also called: ABCA4-related condition; ABCA4-related disorders. Identifiers: MedGen CN239167.

Allele frequency attached by ClinVar (database versions not stated): gnomAD 0.00005 and 0.00006; TOPMed 0.00012.
gnomAD v4.1: 127 of 1,613,684 alleles (0.0079%); highest among the groups gnomAD compares: Non-Finnish European, 0.0094%; no homozygotes.

Submissions (3):

PreventionGenetics, part of Exact Sciences
Classification: Uncertain significance for ABCA4-related condition. Last evaluated: 2024-12-19. Review status: criteria provided, single submitter. Criteria: ACMG Guidelines, 2015. Collection method: clinical testing. Allele origin: germline.
Comment: The ABCA4 c.2341G>A variant is predicted to result in the amino acid substitution p.Ala781Thr. To our knowledge, this variant has not been reported in the literature. This variant is present in 0.0088% of alleles in individuals of European (Non-Finnish) descent in gnomAD. At this time, the clinical significance of this variant is uncertain due to the absence of conclusive functional and genetic evidence.

Blueprint Genetics
Classification: Uncertain significance. Last evaluated: 2022-06-07. Review status: criteria provided, single submitter. Criteria: ACMG Guidelines, 2015. Collection method: clinical testing. Allele origin: germline.

Labcorp Genetics (formerly Invitae), Labcorp
Classification: Uncertain significance. Last evaluated: 2021-10-28. Review status: criteria provided, single submitter. Criteria: Invitae Variant Classification Sherloc (09022015). Collection method: clinical testing. Allele origin: germline.
Comment: This sequence change replaces alanine, which is neutral and non-polar, with threonine, which is neutral and polar, at codon 781 of the ABCA4 protein (p.Ala781Thr). This variant is present in population databases (rs774505934, gnomAD 0.007%). This variant has not been reported in the literature in individuals affected with ABCA4-related conditions. Algorithms developed to predict the effect of missense changes on protein structure and function output the following: SIFT: "Deleterious"; PolyPhen-2: "Benign"; Align-GVGD: "Class C55". The threonine amino acid residue is found in multiple mammalian species, which suggests that this missense change does not adversely affect protein function. In summary, the available evidence is currently insufficient to determine the role of this variant in disease. Therefore, it has been classified as a Variant of Uncertain Significance.

NM_000350.3(ABCA4):c.2341G>A (p.Ala781Thr)

Gene: ABCA4 (ATP binding cassette subfamily A member 4; minus strand). Cytogenetic location: 1p22.1.
Variant type: single nucleotide variant.
Coding change: c.2341G>A on transcript NM_000350.3 (MANE Select); coding-DNA position 2341, G replaced by A.
Protein change: p.Ala781Thr; replaces alanine 781 with threonine.
Molecular consequence: missense variant.
Genome position (GRCh38, 1-based): chr1:94,056,642, C>T on the plus strand (G>A on the coding strand, the complement: ABCA4 is on the minus strand). VCF-style: chr1-94056642-C-T. GRCh37 (hg19) VCF-style: chr1-94522198-C-T.
Other names: c.2341G>A (NM_000350.2); short protein forms A781T.
Identifiers: ClinVar variation 1523198 (VCV001523198.5), dbSNP rs774505934, ClinGen allele CA958299.
Genomic context (GRCh38, chr1:94,056,642, plus strand): 5'-GCCAGCCCAAGGGCCTCACCACAGCCTTCTTCAGCTCAGCGGTCATGCGGTCCTGCCAGG[C>T]GAAGCACAGGATGTGTGGCAGGTAGAGGGTGAAATAGATGACACCACTACAGGCTGCTGC-3'
Protein context (NP_000341.2, residues 771-791): TLYLPHILCF[Ala781Thr]WQDRMTAELK